The following is an entry in ClinVar:

NM_004304.5(ALK):c.702T>G (p.Pro234=)

Gene: ALK (ALK receptor tyrosine kinase; minus strand). Cytogenetic location: 2p23.2.
Variant type: single nucleotide variant.
Coding change: c.702T>G on transcript NM_004304.5 (MANE Select); coding-DNA position 702, T replaced by G.
Protein change: p.Pro234=; no amino-acid change (proline 234 retained).
Molecular consequence: synonymous variant.
Genome position (GRCh38, 1-based): chr2:29,717,663, A>C on the plus strand (T>G on the coding strand, the complement: ALK is on the minus strand). VCF-style: chr2-29717663-A-C. GRCh37 (hg19) VCF-style: chr2-29940529-A-C.
Identifiers: ClinVar variation 239849 (VCV000239849.19), dbSNP rs2246745, ClinGen allele CA1594892.

ClinVar aggregate classification (germline): Likely benign. Review status: criteria provided, multiple submitters, no conflicts (2 of 4 stars). 5 submissions from 5 submitters: Likely benign (4). 1 of the submissions does not count toward it. Last evaluated 2026-02-04.

Conditions:
Hereditary cancer-predisposing syndrome. Also called: Neoplastic Syndromes, Hereditary; Tumor predisposition; Hereditary neoplastic syndrome; Hereditary Cancer Syndrome. Identifiers: Orphanet 140162, MedGen C0027672, MeSH D009386, MONDO:0015356.
ALK-related disorder. Also called: ALK-related condition.
Neuroblastoma, susceptibility to, 3. Also called: ALK-Related Neuroblastic Tumor Susceptibility. Identifiers: Orphanet 635, MedGen C2751681, MONDO:0013083, OMIM 613014.

gnomAD v4.1: 307 of 1,613,806 alleles (0.019%); highest among the groups gnomAD compares: Non-Finnish European, 0.024%; no homozygotes.

Submissions (5):

Labcorp Genetics (formerly Invitae), Labcorp
Classification: Likely benign for Neuroblastoma, susceptibility to, 3. Last evaluated: 2026-02-04. Review status: criteria provided, single submitter. Criteria: Invitae Variant Classification Sherloc (09022015). Collection method: clinical testing. Allele origin: germline.

Ambry Genetics
Classification: Likely benign for Hereditary cancer-predisposing syndrome. Last evaluated: 2022-02-12. Review status: criteria provided, single submitter. Criteria: Ambry Variant Classification Scheme 2023. Collection method: clinical testing. Allele origin: germline.

Sema4
Classification: Likely benign for Hereditary cancer-predisposing syndrome. Last evaluated: 2021-11-13. Review status: criteria provided, single submitter. Criteria: Sema4 Curation Guidelines. Collection method: curation. Allele origin: germline.

GeneDx
Classification: Likely benign. Last evaluated: 2021-05-18. Review status: criteria provided, single submitter. Criteria: GeneDx Variant Classification Process June 2021. Collection method: clinical testing. Allele origin: germline. Affected: yes.

PreventionGenetics, part of Exact Sciences
Classification: Likely benign for ALK-related condition. Last evaluated: 2020-11-30. Review status: no assertion criteria provided. Collection method: clinical testing. Allele origin: germline. Not counted in ClinVar's aggregate classification.
Comment: This variant is classified as likely benign based on ACMG/AMP sequence variant interpretation guidelines (Richards et al. 2015 PMID: 25741868, with internal and published modifications).